The following is an entry in ClinVar:

ClinVar aggregate classification (germline): Uncertain significance (1 of 4 stars; one submission).

Conditions:
Mucopolysaccharidosis type 1. Also called: IDUA deficiency; MPS I; Mucopolysaccharidosis Type I. Identifiers: Orphanet 579, MedGen C0023786, MONDO:0001586.

Submission:

Labcorp Genetics (formerly Invitae), Labcorp
Classification: Uncertain significance for Mucopolysaccharidosis type 1. Last evaluated: 2022-08-09. Review status: criteria provided, single submitter. Criteria: Invitae Variant Classification Sherloc (09022015). Collection method: clinical testing. Allele origin: germline.
Comment: This sequence change replaces alanine, which is neutral and non-polar, with methionine, which is neutral and non-polar, at codon 9 of the IDUA protein (p.Ala9Met). This variant is not present in population databases (gnomAD no frequency). This variant has not been reported in the literature in individuals affected with IDUA-related conditions. Advanced modeling of protein sequence and biophysical properties (such as structural, functional, and spatial information, amino acid conservation, physicochemical variation, residue mobility, and thermodynamic stability) performed at Invitae indicates that this missense variant is not expected to disrupt IDUA protein function. In summary, the available evidence is currently insufficient to determine the role of this variant in disease. Therefore, it has been classified as a Variant of Uncertain Significance.

NM_000203.5(IDUA):c.25_26delinsAT (p.Ala9Met)

Genes: IDUA (alpha-L-iduronidase; plus strand), SLC26A1 (solute carrier family 26 member 1; minus strand). Cytogenetic location: 4p16.3.
Variant type: Indel.
Coding change: c.25_26delinsAT on transcript NM_000203.5 (MANE Select); coding-DNA positions 25 to 26, GC replaced by AT.
Protein change: p.Ala9Met; replaces alanine 9 with methionine.
Molecular consequence: missense variant. On other transcripts: non-coding transcript variant (1), intron variant (1).
Genome position (GRCh38, 1-based): chr4:987,109-987,110, GC replaced by AT. VCF-style: chr4-987109-GC-AT. GRCh37 (hg19) VCF-style: chr4-980897-GC-AT.
Other names: c.576+4018_576+4019delinsAT (NM_134425.4); short protein forms A9M.
Identifiers: ClinVar variation 2167741 (VCV002167741.3), dbSNP rs2534003285, ClinGen allele CA2580071751.